The following is an entry in ClinVar:

ClinVar aggregate classification (germline): Uncertain significance. Review status: criteria provided, multiple submitters, no conflicts (2 of 4 stars). 2 submissions from 2 submitters: Uncertain significance (2). Last evaluated 2022-03-18.

Conditions:
Cardiac arrhythmia. Also called: Cardiac rhythm disease; Arrhythmia. Identifiers: MedGen C0003811, MONDO:0007263, HP:0011675.

gnomAD v4.1: 4 of 1,613,942 alleles (0.00025%); highest among the groups gnomAD compares: Middle Eastern, 0.033%; no homozygotes.

Submissions (2):

Labcorp Genetics (formerly Invitae), Labcorp
Classification: Uncertain significance for Cardiac arrhythmia. Last evaluated: 2022-03-18. Review status: criteria provided, single submitter. Criteria: Invitae Variant Classification Sherloc (09022015). Collection method: clinical testing. Allele origin: germline.
Comment: Algorithms developed to predict the effect of sequence changes on RNA splicing suggest that this variant may create or strengthen a splice site. This sequence change replaces alanine, which is neutral and non-polar, with valine, which is neutral and non-polar, at codon 56 of the RANGRF protein (p.Ala56Val). This variant is not present in population databases (gnomAD no frequency). This variant has not been reported in the literature in individuals affected with RANGRF-related conditions. Algorithms developed to predict the effect of missense changes on protein structure and function (SIFT, PolyPhen-2, Align-GVGD) all suggest that this variant is likely to be tolerated. In summary, the available evidence is currently insufficient to determine the role of this variant in disease. Therefore, it has been classified as a Variant of Uncertain Significance.

Ambry Genetics
Classification: Uncertain significance. Last evaluated: 2021-10-18. Review status: criteria provided, single submitter. Criteria: Ambry Variant Classification Scheme 2023. Collection method: clinical testing. Allele origin: germline.

NM_016492.5(RANGRF):c.167C>T (p.Ala56Val)

Genes: RANGRF (RAN guanine nucleotide release factor; plus strand), SLC25A35 (solute carrier family 25 member 35; minus strand). Cytogenetic location: 17p13.1.
Variant type: single nucleotide variant.
Coding change: c.167C>T on transcript NM_016492.5 (MANE Select); coding-DNA position 167, C replaced by T.
Protein change: p.Ala56Val; replaces alanine 56 with valine.
Molecular consequence: missense variant. On other transcripts: 3 prime UTR variant (2), non-coding transcript variant (2), intron variant (1).
Genome position (GRCh38, 1-based): chr17:8,289,045, C>T. VCF-style: chr17-8289045-C-T. GRCh37 (hg19) VCF-style: chr17-8192363-C-T.
Other names: c.167C>T, p.Ala56Val (NM_001177801.2, NM_001177802.2, NM_001330127.2); c.*438G>A (NM_001320872.2); c.*571G>A (NM_201520.3); c.*42+529G>A (NM_001320871.2); short protein forms A56V.
Identifiers: ClinVar variation 2255595 (VCV002255595.44), dbSNP rs2543865773, ClinGen allele CA397994358.
Genomic context (GRCh38, chr17:8,289,045, plus strand): 5'-AAGTTTTCTGCCATCCCGTGACGGACCAGAGCCTGATAGTGGAACTTCTCGAGCTGCAGG[C>T]CCACGTACGGGGCGAAGCGGCTGCGCGGTGAGGGAATGGCCCCCGGCTGGCCAATGGCAG-3'
Protein context (NP_057576.2, residues 46-66): SLIVELLELQ[Ala56Val]HVRGEAAARY